The following is an entry in ClinVar:

ClinVar aggregate classification (germline): Uncertain significance (1 of 4 stars; one submission).

Submission:

GeneDx
Classification: Uncertain significance. Last evaluated: 2026-04-02. Review status: criteria provided, single submitter. Criteria: GeneDx Variant Classification Process June 2021. Collection method: clinical testing. Allele origin: germline.
Comment: Not observed at significant frequency in large population cohorts (gnomAD); In silico analysis supports that this missense variant has a deleterious effect on protein structure/function; Has not been previously published as pathogenic or benign to our knowledge

NM_001282534.2(KCNK9):c.536C>T (p.Ser179Phe)

Gene: KCNK9 (potassium two pore domain channel subfamily K member 9; minus strand). Cytogenetic location: 8q24.3.
Variant type: single nucleotide variant.
Coding change: c.536C>T on transcript NM_001282534.2 (MANE Select); coding-DNA position 536, C replaced by T.
Protein change: p.Ser179Phe; replaces serine 179 with phenylalanine.
Molecular consequence: missense variant. On other transcripts: non-coding transcript variant (1).
Genome position (GRCh38, 1-based): chr8:139,618,847, G>A on the plus strand (C>T on the coding strand, the complement: KCNK9 is on the minus strand). VCF-style: chr8-139618847-G-A. GRCh37 (hg19) VCF-style: chr8-140631090-G-A.
Other names: short protein forms S179F.
Identifiers: ClinVar variation 5018183 (VCV005018183.1).